The following is an entry in ClinVar:

NM_001743.6(CALM2):c.35-41A>G

Gene: CALM2 (calmodulin 2; minus strand). Cytogenetic location: 2p21.
Variant type: single nucleotide variant.
Coding change: c.35-41A>G on transcript NM_001743.6 (MANE Select); 41 bases into the intron before coding-DNA position 35, A replaced by G.
Molecular consequence: intron variant.
Genome position (GRCh38, 1-based): chr2:47,162,703, T>C on the plus strand (A>G on the coding strand, the complement: CALM2 is on the minus strand). VCF-style: chr2-47162703-T-C. GRCh37 (hg19) VCF-style: chr2-47389842-T-C.
Other names: c.179-41A>G (NM_001305624.1); c.-74-41A>G (NM_001305626.1, NM_001305625.2).
Identifiers: ClinVar variation 679056 (VCV000679056.2), dbSNP rs114530537, ClinGen allele CA1648610.

ClinVar aggregate classification (germline): Likely benign. Review status: criteria provided, multiple submitters, no conflicts (2 of 4 stars). 2 submissions from 2 submitters: Likely benign (2). Last evaluated 2018-06-16.

Allele frequency attached by ClinVar (database versions not stated): gnomAD exomes 0.00083 and 0.00258; ExAC 0.00297; 1000 Genomes Project 30x 0.00484; 1000 Genomes Project 0.00559; gnomAD 0.00722 and 0.00784; TOPMed 0.00867; ESP Exome Variant Server 0.00885.
gnomAD v4.1: 2,249 of 1,483,230 alleles (0.15%); highest among the groups gnomAD compares: African/African-American, 2.6%; 20 homozygotes.

Submissions (2):

GeneDx
Classification: Likely benign. Last evaluated: 2018-06-16. Review status: criteria provided, single submitter. Criteria: GeneDx Variant Classification (06012015). Collection method: clinical testing. Allele origin: germline. Affected: yes.
Comment: This variant is considered likely benign or benign based on one or more of the following criteria: it is a conservative change, it occurs at a poorly conserved position in the protein, it is predicted to be benign by multiple in silico algorithms, and/or has population frequency not consistent with disease.

Breakthrough Genomics
Classification: Likely benign. Review status: criteria provided, single submitter. Criteria: ACMG Guidelines, 2015. Collection method: not provided. Allele origin: germline. Inheritance: Autosomal dominant inheritance. Affected: yes.